The following is an entry in ClinVar:

NM_000548.5(TSC2):c.1660T>C (p.Ser554Pro)

Gene: TSC2 (TSC complex subunit 2; plus strand). Cytogenetic location: 16p13.3.
Variant type: single nucleotide variant.
Coding change: c.1660T>C on transcript NM_000548.5 (MANE Select); coding-DNA position 1660, T replaced by C.
Protein change: p.Ser554Pro; replaces serine 554 with proline.
Molecular consequence: missense variant.
Genome position (GRCh38, 1-based): chr16:2,065,579, T>C. VCF-style: chr16-2065579-T-C. GRCh37 (hg19) VCF-style: chr16-2115580-T-C.
Other names: c.1660T>C, p.Ser554Pro (NM_001077183.3, NM_001114382.3, NM_001363528.2 and 3 more transcripts); c.1549T>C, p.Ser517Pro (NM_001318827.2); c.1513T>C, p.Ser505Pro (NM_001318829.2); c.1060T>C, p.Ser354Pro (NM_001318831.2); c.1693T>C, p.Ser565Pro (NM_001318832.2); short protein forms S565P, S517P, S554P, S354P, S505P.
Identifiers: ClinVar variation 819741 (VCV000819741.13), dbSNP rs1596317415, ClinGen allele CA394268061.

ClinVar aggregate classification (germline): Uncertain significance. Review status: criteria provided, multiple submitters, no conflicts (2 of 4 stars). 5 submissions from 5 submitters: Uncertain significance (5). Last evaluated 2025-10-27.

Conditions:
Hereditary cancer-predisposing syndrome. Also called: Hereditary Cancer Syndrome; Neoplastic Syndromes, Hereditary; Hereditary neoplastic syndrome; Tumor predisposition. Identifiers: Orphanet 140162, MedGen C0027672, MeSH D009386, MONDO:0015356.
Tuberous sclerosis syndrome (TSC). Also called: Tuberous Sclerosis Complex; Tuberous sclerosis. Identifiers: Orphanet 805, MedGen C0041341, MONDO:0001734.
Tuberous sclerosis 2 (TSC2). Identifiers: Orphanet 805, MedGen C1860707, MONDO:0013199, OMIM 613254.

Submissions (5):

Ambry Genetics
Classification: Uncertain significance for Hereditary cancer-predisposing syndrome. Last evaluated: 2025-10-27. Review status: criteria provided, single submitter. Criteria: Ambry Variant Classification Scheme 2023. Collection method: clinical testing. Allele origin: germline.
Comment: The p.S554P variant (also known as c.1660T>C), located in coding exon 15 of the TSC2 gene, results from a T to C substitution at nucleotide position 1660. The serine at codon 554 is replaced by proline, an amino acid with similar properties. This amino acid position is well conserved in available vertebrate species. In addition, this alteration is predicted to be deleterious by in silico analysis. Since supporting evidence is limited at this time, the clinical significance of this alteration remains unclear.

Labcorp Genetics (formerly Invitae), Labcorp
Classification: Uncertain significance for Tuberous sclerosis 2. Last evaluated: 2025-08-20. Review status: criteria provided, single submitter. Criteria: Invitae Variant Classification Sherloc (09022015). Collection method: clinical testing. Allele origin: germline.
Comment: This sequence change replaces serine, which is neutral and polar, with proline, which is neutral and non-polar, at codon 554 of the TSC2 protein (p.Ser554Pro). This variant is not present in population databases (gnomAD no frequency). This variant has not been reported in the literature in individuals affected with TSC2-related conditions. ClinVar contains an entry for this variant (Variation ID: 819741). Invitae Evidence Modeling of protein sequence and biophysical properties (such as structural, functional, and spatial information, amino acid conservation, physicochemical variation, residue mobility, and thermodynamic stability) indicates that this missense variant is not expected to disrupt TSC2 protein function with a negative predictive value of 95%. In summary, the available evidence is currently insufficient to determine the role of this variant in disease. Therefore, it has been classified as a Variant of Uncertain Significance.

GeneDx
Classification: Uncertain significance. Last evaluated: 2024-12-12. Review status: criteria provided, single submitter. Criteria: GeneDx Variant Classification Process June 2021. Collection method: clinical testing. Allele origin: germline. Affected: yes.
Comment: Not observed at significant frequency in large population cohorts (gnomAD); In silico analysis indicates that this missense variant does not alter protein structure/function; Has not been previously published as pathogenic or benign to our knowledge

All of Us Research Program, National Institutes of Health
Classification: Uncertain significance for Tuberous sclerosis syndrome. Last evaluated: 2023-04-27. Review status: criteria provided, single submitter. Criteria: ACMG Guidelines, 2015. Collection method: clinical testing. Allele origin: germline. Inheritance: Autosomal dominant inheritance. Observed: 1 variant allele, 1 heterozygote.
Comment: This study involves interpretation of variants in research participants for the purpose of population health screening. Participant phenotype was not available at the time of variant classification. Additional details can be found in publication PMID: 35346344, PMCID: PMC8962531

Sema4
Classification: Uncertain significance for Hereditary cancer-predisposing syndrome. Last evaluated: 2021-09-16. Review status: criteria provided, single submitter. Criteria: Sema4 Curation Guidelines. Collection method: curation. Allele origin: germline.
Comment: The TSC2 c.1660T>C (p.S554P) variant has not been reported in the literature to our knowledge. This variant is not reported in the population database Genome Aggregation Database (PMID: 32461654). The variant has been reported in ClinVar (Variation ID 819741). In silico tools suggest the impact of the variant on protein function is deleterious, though these predictions have not been confirmed by functional studies. The evidence is insufficient to meet ACMG/AMP criteria for classifying the variant as benign or pathogenic. Thus, the clinical significance of this variant is currently uncertain.